The following is an entry in ClinVar:

ClinVar aggregate classification (germline): Uncertain significance (1 of 4 stars; one submission).

Submission:

Labcorp Genetics (formerly Invitae), Labcorp
Classification: Uncertain significance. Last evaluated: 2024-04-17. Review status: criteria provided, single submitter. Criteria: Invitae Variant Classification Sherloc (09022015). Collection method: clinical testing. Allele origin: germline.
Comment: This sequence change replaces tyrosine, which is neutral and polar, with cysteine, which is neutral and slightly polar, at codon 2989 of the HSPG2 protein (p.Tyr2989Cys). This variant is not present in population databases (gnomAD no frequency). This variant has not been reported in the literature in individuals affected with HSPG2-related conditions. An algorithm developed to predict the effect of missense changes on protein structure and function (PolyPhen-2) suggests that this variant is likely to be disruptive. In summary, the available evidence is currently insufficient to determine the role of this variant in disease. Therefore, it has been classified as a Variant of Uncertain Significance.

NM_005529.7(HSPG2):c.8966A>G (p.Tyr2989Cys)

Gene: HSPG2 (heparan sulfate proteoglycan 2; minus strand). Cytogenetic location: 1p36.12.
Variant type: single nucleotide variant.
Coding change: c.8966A>G on transcript NM_005529.7 (MANE Select); coding-DNA position 8966, A replaced by G.
Protein change: p.Tyr2989Cys; replaces tyrosine 2989 with cysteine.
Molecular consequence: missense variant.
Genome position (GRCh38, 1-based): chr1:21,842,325, T>C on the plus strand (A>G on the coding strand, the complement: HSPG2 is on the minus strand). VCF-style: chr1-21842325-T-C. GRCh37 (hg19) VCF-style: chr1-22168818-T-C.
Other names: c.8969A>G, p.Tyr2990Cys (NM_001291860.2); short protein forms Y2990C, Y2989C.
Identifiers: ClinVar variation 3650256 (VCV003650256.1).
Genomic context (GRCh38, chr1:21,842,325, plus strand): 5'-ACGGTGACTGTGAAGGAGGCTTCTTGCTCAGGGCCTGGGCCGCTGGCTGCACGACACACA[T>C]ACTCGCCTGAGTCGGCAGGGGAGACGAGGTGGAGCCGCAGCTGGGAGCCATGGGTCTGTC-3'
Protein context (NP_005520.4, residues 2979-2999): HLVSPADSGE[Tyr2989Cys]VCRAASGPGP